The following is an entry in ClinVar:

NM_000051.4(ATM):c.8149A>T (p.Lys2717Ter)

Genes: ATM (ATM serine/threonine kinase; plus strand), C11orf65 (chromosome 11 open reading frame 65; minus strand). Cytogenetic location: 11q22.3.
Variant type: single nucleotide variant.
Coding change: c.8149A>T on transcript NM_000051.4 (MANE Select); coding-DNA position 8149, A replaced by T.
Protein change: p.Lys2717Ter; replaces lysine 2717 with a stop codon.
Molecular consequence: nonsense. On other transcripts: intron variant (2).
Genome position (GRCh38, 1-based): chr11:108,335,107, A>T. VCF-style: chr11-108335107-A-T. GRCh37 (hg19) VCF-style: chr11-108205834-A-T.
Other names: c.8149A>T, p.Lys2717Ter (NM_001351834.2); c.641-26036T>A (NM_001330368.2); c.*38+113T>A (NM_001351110.2); short protein forms K2717*.
Identifiers: ClinVar variation 422041 (VCV000422041.10), dbSNP rs774334667, ClinGen allele CA16619248.

ClinVar aggregate classification (germline): Pathogenic/Likely pathogenic. Review status: criteria provided, multiple submitters, no conflicts (2 of 4 stars). 5 submissions from 5 submitters: Pathogenic (2); Likely pathogenic (3). Last evaluated 2024-02-01.

Conditions:
ATM-related disorder. Also called: ATM-related disorders; ATM-related condition.
Ataxia-telangiectasia syndrome (AT). Also called: LOUIS-BAR SYNDROME; Cerebello-oculocutaneous telangiectasia; Immunodeficiency with ataxia telangiectasia; Ataxia-telangiectasia, complementation group D; AT, COMPLEMENTATION GROUP C; Ataxia-telangiectasia, complementation group E. Identifiers: Orphanet 100, MedGen C0004135, MONDO:0008840, OMIM 208900.
Familial cancer of breast. Also called: Hereditary breast cancer; BREAST CANCER, FAMILIAL; hereditary breast carcinoma. Identifiers: Orphanet 227535, MedGen C0346153, MONDO:0016419, OMIM 114480. Disease mechanism: loss of function.

Submissions (5):

Myriad Genetics, Inc.
Classification: Pathogenic for Familial cancer of breast. Last evaluated: 2024-02-01. Review status: criteria provided, single submitter. Criteria: Myriad Autosomal Dominant, Autosomal Recessive and X-Linked Classification Criteria (2023). Collection method: clinical testing. Allele origin: unknown.
Comment: This variant is considered pathogenic. This variant creates a termination codon and is predicted to result in premature protein truncation.

Labcorp Genetics (formerly Invitae), Labcorp
Classification: Pathogenic for Ataxia-telangiectasia syndrome. Last evaluated: 2023-01-19. Review status: criteria provided, single submitter. Criteria: Invitae Variant Classification Sherloc (09022015). Collection method: clinical testing. Allele origin: germline.
Comment: For these reasons, this variant has been classified as Pathogenic. This sequence change creates a premature translational stop signal (p.Lys2717*) in the ATM gene. It is expected to result in an absent or disrupted protein product. Loss-of-function variants in ATM are known to be pathogenic (PMID: 23807571, 25614872). This variant is not present in population databases (gnomAD no frequency). This premature translational stop signal has been observed in individual(s) with family history of breast and/or ovarian cancer (PMID: 26022348). ClinVar contains an entry for this variant (Variation ID: 422041).

Baylor Genetics
Classification: Likely pathogenic for Familial cancer of breast. Last evaluated: 2022-03-02. Review status: criteria provided, single submitter. Criteria: ACMG Guidelines, 2015. Collection method: clinical testing. Allele origin: unknown.

Blueprint Genetics
Classification: Likely pathogenic for ATM-related disorders. Last evaluated: 2018-12-27. Review status: criteria provided, single submitter. Criteria: ACMG Guidelines, 2015. Collection method: clinical testing. Allele origin: germline. Affected: yes. Observed: 1 variant allele.

GeneDx
Classification: Likely pathogenic. Last evaluated: 2016-08-19. Review status: criteria provided, single submitter. Criteria: GeneDx Variant Classification (06012015). Collection method: clinical testing. Allele origin: germline. Affected: yes.
Comment: This variant is denoted ATM c.8149A>T at the cDNA level and p.Lys2717Ter (K2717X) at the protein level. The substitution creates a nonsense variant, which changes a Lysine to a premature stop codon (AAG>TAG), and is predicted to cause loss of normal protein function through either protein truncation or nonsense-mediated mRNA decay. This variant has been reported in association with breast cancer (Eccles 2016) and is considered likely pathogenic.

Literature cited by the submitters: PubMed 23807571 (cited by Labcorp Genetics (formerly Invitae), Labcorp); PubMed 25614872 (cited by Labcorp Genetics (formerly Invitae), Labcorp); PubMed 26022348 (cited by Labcorp Genetics (formerly Invitae), Labcorp).